The following is an entry in ClinVar:

NM_001039876.3(SYNE4):c.764T>C (p.Ile255Thr)

Gene: SYNE4 (spectrin repeat containing nuclear envelope family member 4; minus strand). Cytogenetic location: 19q13.12.
Variant type: single nucleotide variant.
Coding change: c.764T>C on transcript NM_001039876.3 (MANE Select); coding-DNA position 764, T replaced by C.
Protein change: p.Ile255Thr; replaces isoleucine 255 with threonine.
Molecular consequence: missense variant.
Genome position (GRCh38, 1-based): chr19:36,006,526, A>G on the plus strand (T>C on the coding strand, the complement: SYNE4 is on the minus strand). VCF-style: chr19-36006526-A-G. GRCh37 (hg19) VCF-style: chr19-36497428-A-G.
Other names: c.425T>C, p.Ile142Thr (NM_001297735.3); short protein forms I255T, I142T.
Identifiers: ClinVar variation 504863 (VCV000504863.55), dbSNP rs199853331, ClinGen allele CA9393857.

ClinVar aggregate classification (germline): Conflicting classifications of pathogenicity. Review status: criteria provided, conflicting classifications (1 of 4 stars). 6 submissions from 6 submitters: Uncertain significance (3); Benign (1); Likely benign (1). 1 of the submissions does not count toward it. Last evaluated 2026-01-29.

Conditions:
SYNE4-related disorder. Also called: SYNE4-related condition.

Allele frequency attached by ClinVar (database versions not stated): 1000 Genomes Project 30x 0.00016; 1000 Genomes Project 0.00020; gnomAD 0.00022; TOPMed 0.00037; ExAC 0.00068; gnomAD exomes 0.00068; ESP Exome Variant Server 0.00093.
gnomAD v4.1: 737 of 1,608,146 alleles (0.046%); highest among the groups gnomAD compares: South Asian, 0.2%; 2 homozygotes.

Submissions (6):

Labcorp Genetics (formerly Invitae), Labcorp
Classification: Benign. Last evaluated: 2026-01-29. Review status: criteria provided, single submitter. Criteria: Invitae Variant Classification Sherloc (09022015). Collection method: clinical testing. Allele origin: germline.

Ambry Genetics
Classification: Uncertain significance. Last evaluated: 2021-10-18. Review status: criteria provided, single submitter. Criteria: Ambry Variant Classification Scheme 2023. Collection method: clinical testing. Allele origin: germline.

GeneDx
Classification: Likely benign. Last evaluated: 2020-07-28. Review status: criteria provided, single submitter. Criteria: GeneDx Variant Classification Process June 2021. Collection method: clinical testing. Allele origin: germline. Affected: yes.

CeGaT Center for Human Genetics Tuebingen
Classification: Uncertain significance. Last evaluated: 2019-09-01. Review status: criteria provided, single submitter. Criteria: CeGaT Center For Human Genetics Tuebingen Variant Classification Criteria Version 2. Collection method: clinical testing. Allele origin: germline. Affected: yes. Observed: 1 variant allele.

Laboratory for Molecular Medicine, Mass General Brigham Personalized Medicine
Classification: Uncertain significance. Last evaluated: 2016-07-19. Review status: criteria provided, single submitter. Criteria: LMM Criteria. Collection method: clinical testing. Allele origin: germline. Observed: 1 variant allele.
Comment: Variant classified as Uncertain Significance - Favor Benign. The p.Ile255Thr var iant in SYNE4 has not been previously reported in individuals with hearing loss, but has been identified in 0.1% (38/50388) of European chromosomes and 0.1% (20 /13834) of South Asian chromosomes by the Exome Aggregation Consortium (ExAC; dbSNP rs199853331). Although this variant has been seen in the general population, its frequency is not high enough to rule out a pathogenic role. The isoleucine (Ile) at position 255 is not conserved in mammal s or evolutionarily distant species, supporting that a change at this position m ay be tolerated. Additional computational prediction tools do not provide stron g support for or against an impact to the protein. In summary, while the clinica l significance of the p.Ile255Thr variant is uncertain, these data suggest that it is more likely to be benign.

PreventionGenetics, part of Exact Sciences
Classification: Benign for SYNE4-related condition. Last evaluated: 2019-12-09. Review status: no assertion criteria provided. Collection method: clinical testing. Allele origin: germline. Not counted in ClinVar's aggregate classification.
Comment: This variant is classified as benign based on ACMG/AMP sequence variant interpretation guidelines (Richards et al. 2015 PMID: 25741868, with internal and published modifications).